The following is an entry in ClinVar:

NM_014844.5(TECPR2):c.1002C>A (p.Cys334Ter)

Gene: TECPR2 (tectonin beta-propeller repeat containing 2; plus strand). Cytogenetic location: 14q32.31.
Variant type: single nucleotide variant.
Coding change: c.1002C>A on transcript NM_014844.5 (MANE Select); coding-DNA position 1002, C replaced by A.
Protein change: p.Cys334Ter; replaces cysteine 334 with a stop codon.
Molecular consequence: nonsense.
Genome position (GRCh38, 1-based): chr14:102,428,300, C>A. VCF-style: chr14-102428300-C-A. GRCh37 (hg19) VCF-style: chr14-102894637-C-A.
Other names: c.1002C>A, p.Cys334Ter (NM_001172631.3); short protein forms C334*.
Identifiers: ClinVar variation 4815737 (VCV004815737.1).

ClinVar aggregate classification (germline): Likely pathogenic (1 of 4 stars; one submission).

Conditions:
Hereditary spastic paraplegia 49 (HSAN9). Also called: TECPR2-Related Hereditary Sensory and Autonomic Neuropathy with Intellectual Disability; Spastic paraplegia 49, autosomal recessive; NEUROPATHY, HEREDITARY SENSORY AND AUTONOMIC, TYPE IX, WITH DEVELOPMENTAL DELAY. Identifiers: Orphanet 320385, MedGen C5190860, MONDO:0014016, OMIM 615031.

Submission:

Natera, Inc.
Classification: Likely pathogenic for Autosomal recessive spastic paraplegia type 49. Last evaluated: 2024-06-06. Review status: criteria provided, single submitter. Criteria: Natera Variant Classification Schema (03/2026). Collection method: clinical testing. Allele origin: germline.
Comment: The c.1002C>A variant in TECPR2 is a nonsense variant predicted to introduce a stop codon at amino acid 334. This variant is expected to result in nonsense mediated decay, truncation, or a dysfunctional protein product. This variant is rare in the general population with a frequency below the threshold expected for the associated phenotype(s). Given the available evidence, this variant is classified as Likely Pathogenic.